The following is an entry in ClinVar:

NM_002439.5(MSH3):c.347_348del (p.Ser116fs)

Gene: MSH3 (mutS homolog 3; plus strand). Cytogenetic location: 5q14.1.
Variant type: Deletion.
Coding change: c.347_348del on transcript NM_002439.5 (MANE Select); coding-DNA positions 347 to 348, 2 bases deleted (CT; older notation c.347_348delCT).
Protein change: p.Ser116fs; shifts the reading frame from serine 116.
Molecular consequence: frameshift variant.
Genome position (GRCh38, 1-based): chr5:80,656,520-80,656,521, CT deleted; deleting any 2 consecutive bases within chr5:80,656,519-80,656,521 gives the same sequence; the c. name uses the placement nearest the transcript's 3' end. VCF-style (leftmost placement, unchanged base first): chr5-80656518-GTC-G. GRCh37 (hg19) VCF-style: chr5-79952337-GTC-G.
Other names: short protein forms S116fs.
Identifiers: ClinVar variation 1731730 (VCV001731730.3), dbSNP rs2546712302, ClinGen allele CA2580073649.

ClinVar aggregate classification (germline): Pathogenic. Review status: criteria provided, multiple submitters, no conflicts (2 of 4 stars). 2 submissions from 2 submitters: Pathogenic (2). Last evaluated 2023-08-29.

Conditions:
Familial adenomatous polyposis 4 (FAP4). Also called: MSH3-related attenuated familial adenomatous polyposis. Identifiers: Orphanet 480536, MedGen C4310719, MONDO:0044300, OMIM 617100.
Hereditary cancer-predisposing syndrome. Also called: Neoplastic Syndromes, Hereditary; Tumor predisposition; Hereditary Cancer Syndrome; Hereditary neoplastic syndrome. Identifiers: Orphanet 140162, MedGen C0027672, MeSH D009386, MONDO:0015356.

Submissions (2):

Myriad Genetics, Inc.
Classification: Pathogenic for Familial adenomatous polyposis 4. Last evaluated: 2023-08-29. Review status: criteria provided, single submitter. Criteria: Myriad Autosomal Dominant, Autosomal Recessive and X-Linked Classification Criteria (2023). Collection method: clinical testing. Allele origin: unknown.
Comment: This variant is considered pathogenic. This variant creates a frameshift predicted to result in premature protein truncation.

Ambry Genetics
Classification: Pathogenic for Hereditary cancer-predisposing syndrome. Last evaluated: 2022-09-14. Review status: criteria provided, single submitter. Criteria: Ambry Variant Classification Scheme 2023. Collection method: clinical testing. Allele origin: germline.
Comment: The c.347_348delCT pathogenic mutation, located in coding exon 2 of the MSH3 gene, results from a deletion of two nucleotides at nucleotide positions 347 to 348, causing a translational frameshift with a predicted alternate stop codon (p.S116Wfs*4). This variant is considered to be rare based on population cohorts in the Genome Aggregation Database (gnomAD). This alteration is expected to result in loss of function by premature protein truncation or nonsense-mediated mRNA decay. As such, this alteration is interpreted as a disease-causing mutation.